The following is an entry in ClinVar:

NM_001378454.1(ALMS1):c.9055G>A (p.Val3019Met)

Gene: ALMS1 (ALMS1 centrosome and basal body associated protein; plus strand). Cytogenetic location: 2p13.1.
Variant type: single nucleotide variant.
Coding change: c.9055G>A on transcript NM_001378454.1 (MANE Select); coding-DNA position 9055, G replaced by A.
Protein change: p.Val3019Met; replaces valine 3019 with methionine.
Molecular consequence: missense variant.
Genome position (GRCh38, 1-based): chr2:73,491,014, G>A. VCF-style: chr2-73491014-G-A. GRCh37 (hg19) VCF-style: chr2-73718141-G-A.
Other names: c.9058G>A, p.Val3020Met (NM_015120.4); short protein forms V3019M, V3020M.
Identifiers: ClinVar variation 1693045 (VCV001693045.6), dbSNP rs773897748, ClinGen allele CA1714595.
Genomic context (GRCh38, chr2:73,491,014, plus strand): 5'-AATCAACATAAGCCTAAATCACACATTTCTAATATAAATGTTGAAGCCAAGTTCAATACT[G>A]TGGTCTCCCAGTCAGCCCCAAATCACTGTACATTAGCAGCATCTGCATCTACTCCTCCTT-3'
Protein context (NP_001365383.1, residues 3009-3029): NINVEAKFNT[Val3019Met]VSQSAPNHCT

ClinVar aggregate classification (germline): Uncertain significance. Review status: criteria provided, multiple submitters, no conflicts (2 of 4 stars). 3 submissions from 3 submitters: Uncertain significance (3). Last evaluated 2024-12-31.

Conditions:
Cardiovascular phenotype. Identifiers: MedGen CN230736.
Alstrom syndrome (ALMS). Identifiers: Orphanet 64, MedGen C0268425, MONDO:0008763, OMIM 203800.

Allele frequency attached by ClinVar (database versions not stated): gnomAD exomes below 0.00001; ExAC 0.00001; TOPMed 0.00001; gnomAD 0.00002.
gnomAD v4.1: 4 of 1,614,088 alleles (0.00025%); highest among the groups gnomAD compares: African/African-American, 0.0053%; no homozygotes.

Submissions (3):

Labcorp Genetics (formerly Invitae), Labcorp
Classification: Uncertain significance for Alstrom syndrome. Last evaluated: 2024-12-31. Review status: criteria provided, single submitter. Criteria: Invitae Variant Classification Sherloc (09022015). Collection method: clinical testing. Allele origin: germline.
Comment: This sequence change replaces valine, which is neutral and non-polar, with methionine, which is neutral and non-polar, at codon 3020 of the ALMS1 protein (p.Val3020Met). This variant is present in population databases (rs773897748, gnomAD 0.008%). This variant has not been reported in the literature in individuals affected with ALMS1-related conditions. ClinVar contains an entry for this variant (Variation ID: 1693045). Experimental studies and prediction algorithms are not available or were not evaluated, and the functional significance of this variant is currently unknown. In summary, the available evidence is currently insufficient to determine the role of this variant in disease. Therefore, it has been classified as a Variant of Uncertain Significance.

GeneDx
Classification: Uncertain significance. Last evaluated: 2022-06-08. Review status: criteria provided, single submitter. Criteria: GeneDx Variant Classification Process June 2021. Collection method: clinical testing. Allele origin: germline. Affected: yes.
Comment: Has not been previously published as pathogenic or benign to our knowledge; Not observed at a significant frequency in large population cohorts (gnomAD); In silico analysis supports that this missense variant does not alter protein structure/function

Ambry Genetics
Classification: Uncertain significance for Cardiovascular phenotype. Last evaluated: 2022-05-03. Review status: criteria provided, single submitter. Criteria: Ambry Variant Classification Scheme 2023. Collection method: clinical testing. Allele origin: germline.
Comment: The p.V3020M variant (also known as c.9058G>A), located in coding exon 10 of the ALMS1 gene, results from a G to A substitution at nucleotide position 9058. The valine at codon 3020 is replaced by methionine, an amino acid with highly similar properties. This amino acid position is not well conserved in available vertebrate species. In addition, this alteration is predicted to be tolerated by in silico analysis. Since supporting evidence is limited at this time, the clinical significance of this alteration remains unclear.